The following is an entry in ClinVar:

ClinVar aggregate classification (germline): Uncertain significance (1 of 4 stars; one submission).

Allele frequency attached by ClinVar (database versions not stated): TOPMed below 0.00001; gnomAD 0.00003; gnomAD exomes 0.00003.
gnomAD v4.1: 51 of 1,613,896 alleles (0.0032%); highest among the groups gnomAD compares: East Asian, 0.11%; no homozygotes.

Submission:

Labcorp Genetics (formerly Invitae), Labcorp
Classification: Uncertain significance. Last evaluated: 2024-02-24. Review status: criteria provided, single submitter. Criteria: Invitae Variant Classification Sherloc (09022015). Collection method: clinical testing. Allele origin: germline.
Comment: This sequence change replaces glycine, which is neutral and non-polar, with arginine, which is basic and polar, at codon 131 of the TANGO2 protein (p.Gly131Arg). This variant is not present in population databases (gnomAD no frequency). This variant has not been reported in the literature in individuals affected with TANGO2-related conditions. ClinVar contains an entry for this variant (Variation ID: 2060854). An algorithm developed to predict the effect of missense changes on protein structure and function (PolyPhen-2) suggests that this variant is likely to be disruptive. In summary, the available evidence is currently insufficient to determine the role of this variant in disease. Therefore, it has been classified as a Variant of Uncertain Significance.

NM_152906.7(TANGO2):c.391G>A (p.Gly131Arg)

Gene: TANGO2 (transport and golgi organization 2 homolog; plus strand). Cytogenetic location: 22q11.21.
Variant type: single nucleotide variant.
Coding change: c.391G>A on transcript NM_152906.7 (MANE Select); coding-DNA position 391, G replaced by A.
Protein change: p.Gly131Arg; replaces glycine 131 with arginine.
Molecular consequence: missense variant. On other transcripts: non-coding transcript variant (4), intron variant (11).
Genome position (GRCh38, 1-based): chr22:20,055,953, G>A. VCF-style: chr22-20055953-G-A. GRCh37 (hg19) VCF-style: chr22-20043476-G-A.
Other names: c.391G>A, p.Gly131Arg (NM_001283106.3, NM_001283116.3, NM_001283148.3 and 2 more transcripts); c.514G>A, p.Gly172Arg (NM_001283129.3, NM_001283215.3, NM_001322141.2 and 2 more transcripts); c.97G>A, p.Gly33Arg (NM_001283235.3, NM_001322150.2, NM_001322153.2 and 6 more transcripts); c.289G>A, p.Gly97Arg (NM_001322146.2, NM_001322148.2, NM_001322160.2); c.265+3369G>A (NM_001322163.2, NM_001283179.3, NM_001322167.2 and 4 more transcripts); c.388+3369G>A (NM_001322145.2, NM_001322147.2); c.380+2402G>A (NM_001283199.3); c.503+2402G>A (NM_001322149.2); short protein forms G131R, G172R, G97R, G33R.
Identifiers: ClinVar variation 2060854 (VCV002060854.2), dbSNP rs1410891024, ClinGen allele CA410697500.